The following is an entry in ClinVar:

ClinVar aggregate classification (germline): Uncertain significance (1 of 4 stars; one submission).

Submission:

Labcorp Genetics (formerly Invitae), Labcorp
Classification: Uncertain significance. Last evaluated: 2023-01-06. Review status: criteria provided, single submitter. Criteria: Invitae Variant Classification Sherloc (09022015). Collection method: clinical testing. Allele origin: germline.
Comment: In summary, the available evidence is currently insufficient to determine the role of this variant in disease. Therefore, it has been classified as a Variant of Uncertain Significance. Advanced modeling of protein sequence and biophysical properties (such as structural, functional, and spatial information, amino acid conservation, physicochemical variation, residue mobility, and thermodynamic stability) performed at Invitae indicates that this missense variant is not expected to disrupt MLC1 protein function. This variant has not been reported in the literature in individuals affected with MLC1-related conditions. This variant is not present in population databases (gnomAD no frequency). This sequence change replaces alanine, which is neutral and non-polar, with valine, which is neutral and non-polar, at codon 86 of the MLC1 protein (p.Ala86Val).

NM_015166.4(MLC1):c.257C>T (p.Ala86Val)

Genes: MLC1 (modulator of VRAC current 1; minus strand), LOC125446261 (Sharpr-MPRA regulatory region 9327; plus strand). Cytogenetic location: 22q13.33.
Variant type: single nucleotide variant.
Coding change: c.257C>T on transcript NM_015166.4 (MANE Select); coding-DNA position 257, C replaced by T.
Protein change: p.Ala86Val; replaces alanine 86 with valine.
Molecular consequence: missense variant. On other transcripts: non-coding transcript variant (3), intron variant (1).
Genome position (GRCh38, 1-based): chr22:50,083,094, G>A on the plus strand (C>T on the coding strand, the complement: MLC1 is on the minus strand). VCF-style: chr22-50083094-G-A. GRCh37 (hg19) VCF-style: chr22-50521523-G-A.
Other names: c.177+1632C>T (NM_001376480.1); c.257C>T, p.Ala86Val (NM_001376472.1, NM_001376473.1, NM_001376474.1 and 9 more transcripts); c.20C>T, p.Ala7Val (NM_001376484.1); short protein forms A7V, A86V.
Identifiers: ClinVar variation 2919693 (VCV002919693.3), dbSNP rs2518358168, ClinGen allele CA412111541.